The following is an entry in ClinVar:

ClinVar aggregate classification (germline): Uncertain significance (1 of 4 stars; one submission).

Conditions:
Joubert syndrome 23 (JBTS23). Identifiers: Orphanet 475, MedGen C4084822, MONDO:0014664, OMIM 616490.
Short-rib thoracic dysplasia 14 with polydactyly (SRTD14). Identifiers: Orphanet 397715, MedGen C4225286, MONDO:0014688, OMIM 616546.

Allele frequency attached by ClinVar (database versions not stated): gnomAD exomes below 0.00001; TOPMed below 0.00001.
gnomAD v4.1: 3 of 1,546,870 alleles (0.00019%); no homozygotes.

Submission:

Labcorp Genetics (formerly Invitae), Labcorp
Classification: Uncertain significance for Joubert syndrome 23; Short-rib thoracic dysplasia 14 with polydactyly. Last evaluated: 2023-11-19. Review status: criteria provided, single submitter. Criteria: Invitae Variant Classification Sherloc (09022015). Collection method: clinical testing. Allele origin: germline.
Comment: This sequence change replaces histidine, which is basic and polar, with tyrosine, which is neutral and polar, at codon 324 of the KIAA0586 protein (p.His324Tyr). This variant is present in population databases (no rsID available, gnomAD 0.01%). This variant has not been reported in the literature in individuals affected with KIAA0586-related conditions. ClinVar contains an entry for this variant (Variation ID: 1496223). Advanced modeling of protein sequence and biophysical properties (such as structural, functional, and spatial information, amino acid conservation, physicochemical variation, residue mobility, and thermodynamic stability) performed at Invitae indicates that this missense variant is expected to disrupt KIAA0586 protein function with a positive predictive value of 80%. In summary, the available evidence is currently insufficient to determine the role of this variant in disease. Therefore, it has been classified as a Variant of Uncertain Significance.

NM_001329943.3(KIAA0586):c.811C>T (p.His271Tyr)

Gene: KIAA0586 (KIAA0586; plus strand). Cytogenetic location: 14q23.1.
Variant type: single nucleotide variant.
Coding change: c.811C>T on transcript NM_001329943.3 (MANE Select); coding-DNA position 811, C replaced by T.
Protein change: p.His271Tyr; replaces histidine 271 with tyrosine.
Molecular consequence: missense variant.
Genome position (GRCh38, 1-based): chr14:58,448,343, C>T. VCF-style: chr14-58448343-C-T. GRCh37 (hg19) VCF-style: chr14-58915061-C-T.
Other names: c.970C>T, p.His324Tyr (NM_001244189.2); c.766C>T, p.His256Tyr (NM_001244190.2); c.556C>T, p.His186Tyr (NM_001244191.2, NM_001329945.2, NM_001364700.1 and 1 more transcripts); c.679C>T, p.His227Tyr (NM_001244192.2); c.391C>T, p.His131Tyr (NM_001244193.2); c.811C>T, p.His271Tyr (NM_001329944.2, NM_001329946.2, NM_001329947.2 and 1 more transcripts); short protein forms H271Y, H324Y, H131Y, H227Y, H186Y, H256Y.
Identifiers: ClinVar variation 1496223 (VCV001496223.4), dbSNP rs1417240682, ClinGen allele CA389863741.